The following is an entry in ClinVar:

ClinVar aggregate classification (germline): Uncertain significance. Review status: criteria provided, multiple submitters, no conflicts (2 of 4 stars). 2 submissions from 2 submitters: Uncertain significance (2). Last evaluated 2024-05-02.

Conditions:
Glycogen storage disease, type V (GSD5). Also called: PYGM DEFICIENCY; McArdle type glycogen storage disease; MCARDLE DISEASE; MUSCLE GLYCOGEN PHOSPHORYLASE DEFICIENCY; MYOPHOSPHORYLASE DEFICIENCY. Identifiers: Orphanet 368, MedGen C0017924, MONDO:0009293, OMIM 232600.

Allele frequency attached by ClinVar (database versions not stated): 1000 Genomes Project 30x 0.00031.
gnomAD v4.1: 19 of 1,605,338 alleles (0.0012%); highest among the groups gnomAD compares: South Asian, 0.0022%; no homozygotes.

Submissions (2):

Fulgent Genetics
Classification: Uncertain significance for Glycogen storage disease, type V. Last evaluated: 2024-05-02. Review status: criteria provided, single submitter. Criteria: ACMG Guidelines, 2015. Collection method: clinical testing. Allele origin: germline.

Labcorp Genetics (formerly Invitae), Labcorp
Classification: Uncertain significance for Glycogen storage disease, type V. Last evaluated: 2022-06-17. Review status: criteria provided, single submitter. Criteria: Invitae Variant Classification Sherloc (09022015). Collection method: clinical testing. Allele origin: germline.
Comment: This sequence change replaces arginine, which is basic and polar, with tryptophan, which is neutral and slightly polar, at codon 414 of the PYGM protein (p.Arg414Trp). This variant is present in population databases (rs11231866, gnomAD 0.007%). This variant has not been reported in the literature in individuals affected with PYGM-related conditions. Algorithms developed to predict the effect of missense changes on protein structure and function are either unavailable or do not agree on the potential impact of this missense change (SIFT: "Not Available"; PolyPhen-2: "Possibly Damaging"; Align-GVGD: "Not Available"). In summary, the available evidence is currently insufficient to determine the role of this variant in disease. Therefore, it has been classified as a Variant of Uncertain Significance.

NM_005609.4(PYGM):c.1240C>T (p.Arg414Trp)

Gene: PYGM (glycogen phosphorylase, muscle associated; minus strand). Cytogenetic location: 11q13.1.
Variant type: single nucleotide variant.
Coding change: c.1240C>T on transcript NM_005609.4 (MANE Select); coding-DNA position 1240, C replaced by T.
Protein change: p.Arg414Trp; replaces arginine 414 with tryptophan.
Molecular consequence: missense variant.
Genome position (GRCh38, 1-based): chr11:64,753,682, G>A on the plus strand (C>T on the coding strand, the complement: PYGM is on the minus strand). VCF-style: chr11-64753682-G-A. GRCh37 (hg19) VCF-style: chr11-64521154-G-A.
Other names: c.976C>T, p.Arg326Trp (NM_001164716.1); short protein forms R414W, R326W.
Identifiers: ClinVar variation 2067968 (VCV002067968.2), dbSNP rs11231866, ClinGen allele CA6079941.